The following is an entry in ClinVar:

ClinVar aggregate classification (germline): Uncertain significance. Review status: criteria provided, multiple submitters, no conflicts (2 of 4 stars). 4 submissions from 4 submitters: Uncertain significance (4). Last evaluated 2025-09-28.

Conditions:
COL18A1-related disorder. Also called: COL18A1-related disorders; COL18A1-related condition.
Inborn genetic diseases. Identifiers: MedGen C0950123, MeSH D030342.

Allele frequency attached by ClinVar (database versions not stated): gnomAD 0.00001; gnomAD exomes 0.00001 and 0.00003; TOPMed 0.00002.
gnomAD v4.1: 60 of 1,613,630 alleles (0.0037%); highest among the groups gnomAD compares: Non-Finnish European, 0.0043%; no homozygotes.

Submissions (4):

Ambry Genetics
Classification: Uncertain significance for Inborn genetic diseases. Last evaluated: 2025-09-28. Review status: criteria provided, single submitter. Criteria: Ambry Variant Classification Scheme 2023. Collection method: clinical testing. Allele origin: germline.

PreventionGenetics, part of Exact Sciences
Classification: Uncertain significance for COL18A1-related condition. Last evaluated: 2024-12-18. Review status: criteria provided, single submitter. Criteria: ACMG Guidelines, 2015. Collection method: clinical testing. Allele origin: germline.
Comment: The COL18A1 c.2461A>C variant is predicted to result in the amino acid substitution p.Lys821Gln. To our knowledge, this variant has not been reported in the literature. This variant is reported in 0.0018% of alleles in individuals of European (Non-Finnish) descent in gnomAD. At this time, the clinical significance of this variant is uncertain due to the absence of conclusive functional and genetic evidence.

Blueprint Genetics
Classification: Uncertain significance. Last evaluated: 2024-05-30. Review status: criteria provided, single submitter. Criteria: ACMG Guidelines, 2015. Collection method: clinical testing. Allele origin: germline.

Labcorp Genetics (formerly Invitae), Labcorp
Classification: Uncertain significance. Last evaluated: 2022-09-07. Review status: criteria provided, single submitter. Criteria: Invitae Variant Classification Sherloc (09022015). Collection method: clinical testing. Allele origin: germline.
Comment: This sequence change replaces lysine, which is basic and polar, with glutamine, which is neutral and polar, at codon 641 of the COL18A1 protein (p.Lys641Gln). This variant is present in population databases (no rsID available, gnomAD 0.002%). This variant has not been reported in the literature in individuals affected with COL18A1-related conditions. ClinVar contains an entry for this variant (Variation ID: 1381584). Experimental studies and prediction algorithms are not available or were not evaluated, and the functional significance of this variant is currently unknown. In summary, the available evidence is currently insufficient to determine the role of this variant in disease. Therefore, it has been classified as a Variant of Uncertain Significance.

NM_001379500.1(COL18A1):c.1921A>C (p.Lys641Gln)

Gene: COL18A1 (collagen type XVIII alpha 1 chain; plus strand). Cytogenetic location: 21q22.3.
Variant type: single nucleotide variant.
Coding change: c.1921A>C on transcript NM_001379500.1 (MANE Select); coding-DNA position 1921, A replaced by C.
Protein change: p.Lys641Gln; replaces lysine 641 with glutamine.
Molecular consequence: missense variant.
Genome position (GRCh38, 1-based): chr21:45,488,442, A>C. VCF-style: chr21-45488442-A-C. GRCh37 (hg19) VCF-style: chr21-46908356-A-C.
Other names: NM_130445.2:c.1921A>C; c.2461A>C, p.Lys821Gln (NM_030582.4); c.3166A>C, p.Lys1056Gln (NM_130444.3); c.2461A>C (NM_030582.3); short protein forms K1056Q, K821Q, K641Q.
Identifiers: ClinVar variation 1381584 (VCV001381584.6), dbSNP rs1466763962, ClinGen allele CA410496589.